The following is an entry in ClinVar:

NM_001349253.2(SCN11A):c.1333C>A (p.Leu445Ile)

Gene: SCN11A (sodium voltage-gated channel alpha subunit 11; minus strand). Cytogenetic location: 3p22.2.
Variant type: single nucleotide variant.
Coding change: c.1333C>A on transcript NM_001349253.2 (MANE Select); coding-DNA position 1333, C replaced by A.
Protein change: p.Leu445Ile; replaces leucine 445 with isoleucine.
Molecular consequence: missense variant.
Genome position (GRCh38, 1-based): chr3:38,908,089, G>T on the plus strand (C>A on the coding strand, the complement: SCN11A is on the minus strand). VCF-style: chr3-38908089-G-T. GRCh37 (hg19) VCF-style: chr3-38949580-G-T.
Other names: c.1333C>A, p.Leu445Ile (NM_014139.3); short protein forms L445I.
Identifiers: ClinVar variation 1401874 (VCV001401874.6), dbSNP rs767707818, ClinGen allele CA2322338.
Genomic context (GRCh38, chr3:38,908,089, plus strand): 5'-TCTTATTACCAAAGAGCTTTCTCTTTTTTGGGGTAAAATATGATGTTTCAAGGGAAGTAA[G>T]TGAACTTCTGTCAATTCCCATGGCAACCAGAGCCTTCAAATTGAACAAAAGCAATTAAAG-3'
Protein context (NP_001336182.1, residues 435-455): LVAMGIDRSS[Leu445Ile]TSLETSYFTP

ClinVar aggregate classification (germline): Uncertain significance (1 of 4 stars; one submission).

Conditions:
Hereditary sensory and autonomic neuropathy type 7. Also called: Neuropathy, hereditary sensory and autonomic, type VII; HSAN VII. Identifiers: Orphanet 391397, MedGen C3809882, MONDO:0014244, OMIM 615548.
Familial episodic pain syndrome with predominantly lower limb involvement. Also called: Episodic pain syndrome, familial, 3. Identifiers: Orphanet 391384, Orphanet 391392, MedGen C3809899, MONDO:0014247, OMIM 615552.

Allele frequency attached by ClinVar (database versions not stated): gnomAD exomes below 0.00001; ExAC 0.00001.
gnomAD v4.1: 1 of 1,612,708 alleles (0.000062%); highest among the groups gnomAD compares: Non-Finnish European, 0.000085%; no homozygotes.

Submission:

Labcorp Genetics (formerly Invitae), Labcorp
Classification: Uncertain significance for Familial episodic pain syndrome with predominantly lower limb involvement; Hereditary sensory and autonomic neuropathy type 7. Last evaluated: 2021-08-19. Review status: criteria provided, single submitter. Criteria: Invitae Variant Classification Sherloc (09022015). Collection method: clinical testing. Allele origin: germline.
Comment: In summary, the available evidence is currently insufficient to determine the role of this variant in disease. Therefore, it has been classified as a Variant of Uncertain Significance. Algorithms developed to predict the effect of missense changes on protein structure and function are either unavailable or do not agree on the potential impact of this missense change (SIFT: "Deleterious"; PolyPhen-2: "Probably Damaging"; Align-GVGD: "Class C0"). This variant has not been reported in the literature in individuals affected with SCN11A-related conditions. The frequency data for this variant in the population databases is considered unreliable, as metrics indicate poor data quality at this position in the ExAC database. This sequence change replaces leucine with isoleucine at codon 445 of the SCN11A protein (p.Leu445Ile). The leucine residue is highly conserved and there is a small physicochemical difference between leucine and isoleucine.